The following is an entry in ClinVar:

NM_001089.3(ABCA3):c.2414+1G>A

Gene: ABCA3 (ATP binding cassette subfamily A member 3; minus strand). Cytogenetic location: 16p13.3.
Variant type: single nucleotide variant.
Coding change: c.2414+1G>A on transcript NM_001089.3 (MANE Select); the canonical splice donor site of the intron after coding-DNA position 2414, G replaced by A.
Molecular consequence: splice donor variant.
Genome position (GRCh38, 1-based): chr16:2,295,589, C>T on the plus strand (G>A on the coding strand, the complement: ABCA3 is on the minus strand). VCF-style: chr16-2295589-C-T. GRCh37 (hg19) VCF-style: chr16-2345590-C-T.
Identifiers: ClinVar variation 2759358 (VCV002759358.4), dbSNP rs2505637295, ClinGen allele CA394328254.

ClinVar aggregate classification (germline): Likely pathogenic. Review status: criteria provided, multiple submitters, no conflicts (2 of 4 stars). 2 submissions from 2 submitters: Likely pathogenic (2). Last evaluated 2024-06-03.

Conditions:
Interstitial lung disease due to ABCA3 deficiency. Also called: PULMONARY ALVEOLAR PROTEINOSIS, CONGENITAL, 3. Identifiers: Orphanet 440402, MedGen C1970456, MONDO:0012582, OMIM 610921.

Submissions (2):

Fulgent Genetics
Classification: Likely pathogenic for Interstitial lung disease due to ABCA3 deficiency. Last evaluated: 2024-06-03. Review status: criteria provided, single submitter. Criteria: ACMG Guidelines, 2015. Collection method: clinical testing. Allele origin: germline.

Labcorp Genetics (formerly Invitae), Labcorp
Classification: Likely pathogenic. Last evaluated: 2023-09-09. Review status: criteria provided, single submitter. Criteria: Invitae Variant Classification Sherloc (09022015). Collection method: clinical testing. Allele origin: germline.
Comment: In summary, the currently available evidence indicates that the variant is pathogenic, but additional data are needed to prove that conclusively. Therefore, this variant has been classified as Likely Pathogenic. Algorithms developed to predict the effect of sequence changes on RNA splicing suggest that this variant may disrupt the consensus splice site. This variant has not been reported in the literature in individuals affected with ABCA3-related conditions. This variant is not present in population databases (gnomAD no frequency). This sequence change affects a donor splice site in intron 18 of the ABCA3 gene. It is expected to disrupt RNA splicing. Variants that disrupt the donor or acceptor splice site typically lead to a loss of protein function (PMID: 16199547), and loss-of-function variants in ABCA3 are known to be pathogenic (PMID: 27516224).

Literature cited by the submitters: PubMed 16199547 (cited by Labcorp Genetics (formerly Invitae), Labcorp); PubMed 27516224 (cited by Labcorp Genetics (formerly Invitae), Labcorp).